The following is an entry in ClinVar:

ClinVar aggregate classification (germline): Uncertain significance (1 of 4 stars; one submission).

Submission:

GeneDx
Classification: Uncertain significance. Last evaluated: 2024-02-06. Review status: criteria provided, single submitter. Criteria: GeneDx Variant Classification Process June 2021. Collection method: clinical testing. Allele origin: germline.
Comment: Not observed at significant frequency in large population cohorts (gnomAD); In silico analysis supports that this missense variant has a deleterious effect on protein structure/function; This variant is associated with the following publications: (PMID: 36071576)

NM_173689.7(CRB2):c.2330T>A (p.Leu777His)

Gene: CRB2 (crumbs cell polarity complex component 2; plus strand). Cytogenetic location: 9q33.3.
Variant type: single nucleotide variant.
Coding change: c.2330T>A on transcript NM_173689.7 (MANE Select); coding-DNA position 2330, T replaced by A.
Protein change: p.Leu777His; replaces leucine 777 with histidine.
Molecular consequence: missense variant. On other transcripts: non-coding transcript variant (1).
Genome position (GRCh38, 1-based): chr9:123,371,472, T>A. VCF-style: chr9-123371472-T-A. GRCh37 (hg19) VCF-style: chr9-126133751-T-A.
Other names: short protein forms L777H.
Identifiers: ClinVar variation 1702726 (VCV001702726.3), dbSNP rs2132781037, ClinGen allele CA374865846.
Genomic context (GRCh38, chr9:123,371,472, plus strand): 5'-AGCCCTGGGGTGGGCCCTTCCGAGGCTGCCTCCAGGACCTGCGACTCGATGGCTGCCACC[T>A]CCCCTTCTTTCCTCTGCCACTGGATAACTCAAGCCAGCCCAGCGAGCTCGGCGGCAGGCA-3'
Protein context (NP_775960.4, residues 767-787): LQDLRLDGCH[Leu777His]PFFPLPLDNS